The following is an entry in ClinVar:

NM_001130438.3(SPTAN1):c.6270C>A (p.His2090Gln)

Gene: SPTAN1 (spectrin alpha, non-erythrocytic 1; plus strand). Cytogenetic location: 9q34.11.
Variant type: single nucleotide variant.
Coding change: c.6270C>A on transcript NM_001130438.3 (MANE Select); coding-DNA position 6270, C replaced by A.
Protein change: p.His2090Gln; replaces histidine 2090 with glutamine.
Molecular consequence: missense variant.
Genome position (GRCh38, 1-based): chr9:128,625,969, C>A. VCF-style: chr9-128625969-C-A. GRCh37 (hg19) VCF-style: chr9-131388248-C-A.
Other names: p.H2090Q:CAC>CAA; c.6195C>A, p.His2065Gln (NM_001195532.2); c.6270C>A, p.His2090Gln (NM_001363759.2); c.6210C>A, p.His2070Gln (NM_001363765.2); c.6255C>A, p.His2085Gln (NM_003127.4); short protein forms H2090Q, H2065Q, H2070Q, H2085Q.
Identifiers: ClinVar variation 207349 (VCV000207349.2), dbSNP rs370102482, ClinGen allele CA318728.

ClinVar aggregate classification (germline): Uncertain significance (1 of 4 stars; one submission).

gnomAD v4.1: 2 of 1,614,110 alleles (0.00012%); highest among the groups gnomAD compares: Admixed American, 0.0033%; no homozygotes.

Submission:

GeneDx
Classification: Uncertain significance. Last evaluated: 2014-04-15. Review status: criteria provided, single submitter. Criteria: GeneDx Variant Classification (06012015). Collection method: clinical testing. Allele origin: germline. Affected: yes.
Comment: p.His2090Gln (CAC>CAA): c.6270 C>A in exon 48 of the SPTAN1 gene (NM_001130438.2) The H2090Q variant has not been published as a mutation, nor has it been reported as a benign polymorphism to our knowledge. It was not observed in approximately 6,500 individuals of European and African American ancestry in the NHLBI Exome Sequencing Project, indicating it is not a common benign variant in these populations. The H2090Q variant is a semi-conservative amino acid substitution, which may impact secondary protein structure as these residues differ in some properties. This substitution occurs at a position that is conserved across species. However, in silico analysis is inconsistent in its predictions as to whether or not the H2090Q variant is damaging to the protein structure/function. Additionally, previously reported pathogenic mutations in SPTAN1 include in-frame deletions or duplications located within the last four spectrin repeats of the protein, which are essential for dimerization (Saitsu et al., 2010), and the H2090 residue is outside this region. Therefore, based on the currently available information, it is unclear whether this variant is a pathogenic mutation or a rare benign variant. The variant is found in EPILEPSY panel(s).